The following is an entry in ClinVar:

NM_001370259.2(MEN1):c.550G>A (p.Val184Ile)

Gene: MEN1 (menin 1; minus strand). Cytogenetic location: 11q13.1.
Variant type: single nucleotide variant.
Coding change: c.550G>A on transcript NM_001370259.2 (MANE Select); coding-DNA position 550, G replaced by A.
Protein change: p.Val184Ile; replaces valine 184 with isoleucine.
Molecular consequence: missense variant. On other transcripts: non-coding transcript variant (4), splice donor variant (5).
Genome position (GRCh38, 1-based): chr11:64,807,995, C>T on the plus strand (G>A on the coding strand, the complement: MEN1 is on the minus strand). VCF-style: chr11-64807995-C-T. GRCh37 (hg19) VCF-style: chr11-64575467-C-T.
Other names: c.565G>A, p.Val189Ile (NM_000244.4, NM_001407145.1, NM_001407150.1 and 5 more transcripts); c.550G>A, p.Val184Ile (NM_001370251.2, NM_001370260.2, NM_001370261.2 and 7 more transcripts); c.549+1G>A (NM_001407148.1, NM_001407149.1, NM_001407151.1 and 2 more transcripts); short protein forms V189I, V184I.
Identifiers: ClinVar variation 3014770 (VCV003014770.3), dbSNP rs2136153694, ClinGen allele CA381185799.
Genomic context (GRCh38, chr11:64,807,995, plus strand): 5'-CGTTGCCCTTGCCGTGCCAGGTGACCTCAGCTGTCTGCTCCCCATTGGGCCCAAACACTA[C>T]CCAGGCATGATCCTCAGACAGGGCGAGGTGGACATCCCGGAGACCCAGGGCCTGGCAGGC-3'
Protein context (NP_001357188.2, residues 174-194): HLALSEDHAW[Val184Ile]VFGPNGEQTA

ClinVar aggregate classification (germline): Uncertain significance (1 of 4 stars; one submission).

Conditions:
Multiple endocrine neoplasia, type 1 (MEN1). Also called: MEN I; WERMER SYNDROME; Endocrine adenomatosis multiple; MEN 1; MEA I. Identifiers: Orphanet 652, MedGen C0025267, MeSH D018761, MONDO:0007540, OMIM 131100.

Submission:

Labcorp Genetics (formerly Invitae), Labcorp
Classification: Uncertain significance for Multiple endocrine neoplasia, type 1. Last evaluated: 2023-03-18. Review status: criteria provided, single submitter. Criteria: Invitae Variant Classification Sherloc (09022015). Collection method: clinical testing. Allele origin: germline.
Comment: Advanced modeling of protein sequence and biophysical properties (such as structural, functional, and spatial information, amino acid conservation, physicochemical variation, residue mobility, and thermodynamic stability) performed at Invitae indicates that this missense variant is expected to disrupt MEN1 protein function. In summary, the available evidence is currently insufficient to determine the role of this variant in disease. Therefore, it has been classified as a Variant of Uncertain Significance. Algorithms developed to predict the effect of sequence changes on RNA splicing suggest that this variant may disrupt the consensus splice site. This variant has not been reported in the literature in individuals affected with MEN1-related conditions. This variant is not present in population databases (gnomAD no frequency). This sequence change replaces valine, which is neutral and non-polar, with isoleucine, which is neutral and non-polar, at codon 184 of the MEN1 protein (p.Val184Ile).